The following is an entry in ClinVar:

ClinVar aggregate classification (germline): Likely pathogenic. Review status: criteria provided, multiple submitters, no conflicts (2 of 4 stars). 2 submissions from 2 submitters: Likely pathogenic (2). Last evaluated 2025-05-17.

Conditions:
Peroxisome biogenesis disorder 4A (Zellweger) (PBD4A). Also called: Zellweger syndrome spectrum (PEX6-related). Identifiers: Orphanet 912, MedGen C3553936, MONDO:0013930, OMIM 614862. Disease mechanism: loss of function.
Heimler syndrome 2 (HMLR2). Also called: PEROXISOME BIOGENESIS DISORDER 4C. Identifiers: Orphanet 3220, MedGen C4225267, OMIM 616617, MONDO:0014709.
Peroxisome biogenesis disorder 4B (PBD4B). Also called: SPINOCEREBELLAR ATAXIA WITH BLINDNESS AND DEAFNESS 1. Identifiers: Orphanet 44, Orphanet 95433, MedGen C3553937, MONDO:0013931, OMIM 614863.

gnomAD v4.1: 1 of 1,613,998 alleles (0.000062%); highest among the groups gnomAD compares: South Asian, 0.0011%; no homozygotes.

Submissions (2):

GeneDx
Classification: Likely pathogenic. Last evaluated: 2025-05-17. Review status: criteria provided, single submitter. Criteria: GeneDx Variant Classification Process June 2021. Collection method: clinical testing. Allele origin: germline. Affected: yes.
Comment: Canonical splice site variant predicted to result in a null allele in a gene for which loss of function is a known mechanism of disease; Not observed at significant frequency in large population cohorts (gnomAD); Has not been previously published as pathogenic or benign to our knowledge

Fulgent Genetics
Classification: Likely pathogenic for Peroxisome biogenesis disorder 4A (Zellweger); Peroxisome biogenesis disorder 4B; Heimler syndrome 2. Last evaluated: 2024-01-11. Review status: criteria provided, single submitter. Criteria: ACMG Guidelines, 2015. Collection method: clinical testing. Allele origin: germline.

NM_000287.4(PEX6):c.1961+1G>A

Gene: PEX6 (peroxisomal biogenesis factor 6; minus strand). Cytogenetic location: 6p21.1.
Variant type: single nucleotide variant.
Coding change: c.1961+1G>A on transcript NM_000287.4 (MANE Select); the canonical splice donor site of the intron after coding-DNA position 1961, G replaced by A.
Molecular consequence: splice donor variant.
Genome position (GRCh38, 1-based): chr6:42,966,781, C>T on the plus strand (G>A on the coding strand, the complement: PEX6 is on the minus strand). VCF-style: chr6-42966781-C-T. GRCh37 (hg19) VCF-style: chr6-42934519-C-T.
Other names: c.1697+1G>A (NM_001316313.2).
Identifiers: ClinVar variation 3593611 (VCV003593611.2).